The following is an entry in ClinVar:

ClinVar aggregate classification (germline): Uncertain significance. Review status: criteria provided, multiple submitters, no conflicts (2 of 4 stars). 3 submissions from 3 submitters: Uncertain significance (3). Last evaluated 2025-12-22.

Conditions:
ZCCHC8-related disorder. Also called: ZCCHC8-related condition.

Allele frequency attached by ClinVar (database versions not stated): gnomAD 0.00001; gnomAD exomes 0.00001; TOPMed 0.00001; ExAC 0.00003.
gnomAD v4.1: 6 of 1,603,080 alleles (0.00037%); highest among the groups gnomAD compares: African/African-American, 0.0027%; no homozygotes.

Submissions (3):

Labcorp Genetics (formerly Invitae), Labcorp
Classification: Uncertain significance. Last evaluated: 2025-12-22. Review status: criteria provided, single submitter. Criteria: Invitae Variant Classification Sherloc (09022015). Collection method: clinical testing. Allele origin: germline.
Comment: This sequence change replaces methionine, which is neutral and non-polar, with threonine, which is neutral and polar, at codon 244 of the ZCCHC8 protein (p.Met244Thr). This variant is present in population databases (rs758726133, gnomAD 0.007%). This variant has not been reported in the literature in individuals affected with ZCCHC8-related conditions. ClinVar contains an entry for this variant (Variation ID: 1923668). Experimental studies and prediction algorithms are not available or were not evaluated, and the functional significance of this variant is currently unknown. In summary, the available evidence is currently insufficient to determine the role of this variant in disease. Therefore, it has been classified as a Variant of Uncertain Significance.

Ambry Genetics
Classification: Uncertain significance. Last evaluated: 2025-12-15. Review status: criteria provided, single submitter. Criteria: Ambry Variant Classification Scheme 2023. Collection method: clinical testing. Allele origin: germline.

PreventionGenetics, part of Exact Sciences
Classification: Uncertain significance for ZCCHC8-related condition. Last evaluated: 2025-02-11. Review status: criteria provided, single submitter. Criteria: ACMG Guidelines, 2015. Collection method: clinical testing. Allele origin: germline.
Comment: The ZCCHC8 c.731T>C variant is predicted to result in the amino acid substitution p.Met244Thr. To our knowledge, this variant has not been reported in the literature. This variant is reported in 0.0065% of alleles in individuals of African descent in gnomAD. At this time, the clinical significance of this variant is uncertain due to the absence of conclusive functional and genetic evidence.

NM_017612.5(ZCCHC8):c.731T>C (p.Met244Thr)

Gene: ZCCHC8 (zinc finger CCHC-type containing 8; minus strand). Cytogenetic location: 12q24.31.
Variant type: single nucleotide variant.
Coding change: c.731T>C on transcript NM_017612.5 (MANE Select); coding-DNA position 731, T replaced by C.
Protein change: p.Met244Thr; replaces methionine 244 with threonine.
Molecular consequence: missense variant. On other transcripts: intron variant (1).
Genome position (GRCh38, 1-based): chr12:122,482,636, A>G on the plus strand (T>C on the coding strand, the complement: ZCCHC8 is on the minus strand). VCF-style: chr12-122482636-A-G. GRCh37 (hg19) VCF-style: chr12-122967183-A-G.
Other names: c.731T>C (NM_017612.4, NM_017612.3); c.434T>C, p.Met145Thr (NM_001350936.2); c.17T>C, p.Met6Thr (NM_001350937.2, NM_001350938.2); c.502-549T>C (NM_001350935.2); short protein forms M244T, M145T, M6T.
Identifiers: ClinVar variation 1923668 (VCV001923668.7), dbSNP rs758726133, ClinGen allele CA6846390.
Genomic context (GRCh38, chr12:122,482,636, plus strand): 5'-TGTTGAAAACATTAGAAAGCTCTTGTTCAAAGACTTTTCTTAACATGAGAAAAATTTACC[A>G]TTGGGCAATCTTTCATTTGGTGTTCTTCAGAACCACAATTGAAACAGTGAGGCTTTGGCC-3'
Protein context (NP_060082.2, residues 234-254): SEEHQMKDCP[Met244Thr]PRNAARISEK